The following is an entry in ClinVar:

NM_173630.4(RTTN):c.3783G>A (p.Pro1261=)

Gene: RTTN (rotatin; minus strand). Cytogenetic location: 18q22.2.
Variant type: single nucleotide variant.
Coding change: c.3783G>A on transcript NM_173630.4 (MANE Select); coding-DNA position 3783, G replaced by A.
Protein change: p.Pro1261=; no amino-acid change (proline 1261 retained).
Molecular consequence: synonymous variant.
Genome position (GRCh38, 1-based): chr18:70,109,618, C>T on the plus strand (G>A on the coding strand, the complement: RTTN is on the minus strand). VCF-style: chr18-70109618-C-T. GRCh37 (hg19) VCF-style: chr18-67776854-C-T.
Other names: c.1047G>A, p.Pro349= (NM_001318520.2).
Identifiers: ClinVar variation 507633 (VCV000507633.9), dbSNP rs371484273, ClinGen allele CA8995495.

ClinVar aggregate classification (germline): Likely benign. Review status: criteria provided, multiple submitters, no conflicts (2 of 4 stars). 2 submissions from 2 submitters: Likely benign (2). Last evaluated 2026-01-06.

Allele frequency attached by ClinVar (database versions not stated): gnomAD exomes 0.00003 and 0.00005; ExAC 0.00004; ESP Exome Variant Server 0.00024; gnomAD 0.00030 and 0.00032; TOPMed 0.00045.
gnomAD v4.1: 96 of 1,613,868 alleles (0.0059%); highest among the groups gnomAD compares: African/African-American, 0.068%; no homozygotes.

Submissions (2):

Labcorp Genetics (formerly Invitae), Labcorp
Classification: Likely benign. Last evaluated: 2026-01-06. Review status: criteria provided, single submitter. Criteria: Invitae Variant Classification Sherloc (09022015). Collection method: clinical testing. Allele origin: germline.

GeneDx
Classification: Likely benign. Last evaluated: 2017-02-21. Review status: criteria provided, single submitter. Criteria: GeneDx Variant Classification (06012015). Collection method: clinical testing. Allele origin: germline. Affected: yes.
Comment: This variant is considered likely benign or benign based on one or more of the following criteria: it is a conservative change, it occurs at a poorly conserved position in the protein, it is predicted to be benign by multiple in silico algorithms, and/or has population frequency not consistent with disease.